The following continues an entry in ClinVar:

NM_000310.4(PPT1):c.451C>T (p.Arg151Ter)

Gene: PPT1. ClinVar aggregate classification (germline): Pathogenic/Likely pathogenic. Pathogenic (29); Likely pathogenic (1).

Submissions 15 to 37 of 37:

GeneDx
Classification: Pathogenic. Last evaluated: 2022-09-07. Review status: criteria provided, single submitter. Criteria: GeneDx Variant Classification Process June 2021. Collection method: clinical testing. Allele origin: germline. Affected: yes.
Comment: The R151* nonsense variant is the most common pathogenic variant in the PPT1 gene worldwide and has been reported previously in association with infantile, late-infantile, and juvenile neuronal ceroid lipofuscinosis (Mitchison et al., 1998; Das et al., 1998; Kousi et al., 2012); Published functional studies demonstrate the variant results in significantly decreased PPT1 levels (Miller et al., 2015); Nonsense variant predicted to result in protein truncation or nonsense mediated decay in a gene for which loss-of-function is a known mechanism of disease; This variant is associated with the following publications: (PMID: 17261688, 11506414, 26990548, 34469436, 25574475, 23772246, 25525159, 21228398, 9733046, 10679943, 10649502, 19793312, 24082928, 23539563, 9425237, 31980526, 31589614, 21990111, 9664077, 25205113)

Department of Pathology and Laboratory Medicine, Sinai Health System
Classification: Pathogenic for Neuronal ceroid lipofuscinosis 1. Last evaluated: 2022-03-25. Review status: criteria provided, single submitter. Criteria: ACMG Guidelines, 2015. Collection method: research. Allele origin: germline.

Laboratorio de Genetica e Diagnostico Molecular, Hospital Israelita Albert Einstein
Classification: Pathogenic for Neuronal ceroid lipofuscinosis 1. Last evaluated: 2021-05-07. Review status: criteria provided, single submitter. Criteria: ACMG Guidelines, 2015. Collection method: clinical testing. Allele origin: germline. Affected: yes.
Comment: ACMG classification criteria: PVS1, PM3 very strong

CENTOGENE GmbH and LLC - Guiding Precision Medicine
Classification: Pathogenic for Neuronal ceroid lipofuscinosis 1. Last evaluated: 2021-04-29. Review status: criteria provided, single submitter. Criteria: ACMG Guidelines, 2015. Collection method: clinical testing. Allele origin: germline. Affected: yes.

Institute of Medical Genetics and Applied Genomics, University Hospital Tübingen
Classification: Pathogenic. Last evaluated: 2020-10-23. Review status: criteria provided, single submitter. Criteria: ACMG Guidelines, 2015. Collection method: clinical testing. Allele origin: germline. Inheritance: Unknown mechanism. Affected: yes.

New York Genome Center
Classification: Pathogenic for Neuronal ceroid lipofuscinosis 1. Last evaluated: 2020-06-25. Review status: criteria provided, single submitter. Criteria: NYGC Assertion Criteria 2020. Collection method: clinical testing. Allele origin: inherited. Observed: 1 heterozygote. Study: CSER-NYCKidSeq.

Myriad Genetics, Inc.
Classification: Pathogenic for Neuronal ceroid lipofuscinosis 1. Last evaluated: 2019-12-09. Review status: criteria provided, single submitter. Criteria: Myriad Women's Health Autosomal Recessive and X-Linked Classification Criteria (2019). Collection method: clinical testing. Allele origin: unknown.
Comment: NM_000310.3(PPT1):c.451C>T(R151*) is classified as pathogenic in the context of PPT1-related neuronal ceroid lipofuscinosis, and is associated with the infantile form of the disease. Sources cited for classification include the following: PMID 23539563 and 9664077. Classification of NM_000310.3(PPT1):c.451C>T(R151*) is based on the following criteria: The variant causes a premature termination codon that is expected to be targeted by nonsense-mediated mRNA decay and is reported in individuals with the relevant phenotype. Please note: this variant was assessed in the context of healthy population screening.

Eurofins Ntd Llc (ga)
Classification: Pathogenic. Last evaluated: 2018-06-25. Review status: criteria provided, single submitter. Criteria: EGL ClinVar v180209 classification definitions. Collection method: clinical testing. Allele origin: germline. Observed: 2 variant alleles, 2 heterozygotes.

Women's Health and Genetics/Laboratory Corporation of America, LabCorp
Classification: Pathogenic for Neuronal ceroid lipofuscinosis. Last evaluated: 2017-03-09. Review status: criteria provided, single submitter. Criteria: LabCorp Variant Classification Summary - May 2015. Collection method: clinical testing. Allele origin: germline.
Comment: Variant summary: The c.451C>T (p.Arg151*) in PPT1 gene is a nonsense change predicted to cause loss of normal protein function through either protein truncation or nonsense-mediated mRNA decay. This prediction was confirmed by Das (1998) who showed undetectable levels of PPT protein in patients homozygous for c.451C>T. The variant is present in the large control population dataset of ExAC at a frequency 0.0001732 (21 / 121256chrs tested). This frequency does not exceed the maximal expected frequency of a pathogenic allele (0.0007) in this gene. The variant has been reported in multiple affected individuals with histologically and enzymatically confirmed dx of NCL. In addition, multiple reputable databases/clinical laboratories cite the variant as Pathogenic. Taking together, the variant of interest was classified as Pathogenic.

Center for Pediatric Genomic Medicine, Children's Mercy Hospital and Clinics
Classification: Pathogenic. Last evaluated: 2017-02-09. Review status: criteria provided, single submitter. Criteria: ACMG Guidelines, 2015. Collection method: clinical testing. Allele origin: germline.

Illumina Laboratory Services, Illumina
Classification: Pathogenic for Neuronal Ceroid-Lipofuscinosis, Recessive. Last evaluated: 2016-06-14. Review status: criteria provided, single submitter. Criteria: ICSL Variant Classification 20161018. Collection method: clinical testing. Allele origin: germline.
Comment: Across a selection of the available literature, the c.451C>T (p.Arg151Ter) stop-gained variant has been identified in a total of 27 patients with neuronal ceroid-lipofuscinosis (NCL), including in a homozygous state in six patients, all with a severe phenotype, and in a compound heterozygous state with a second variant in 21 patients (Mitchison et al. 1998; Das et al. 1998; van Diggelen et al. 2001; Ramadan et al. 2007; Khan et al. 2013). Control data are unavailable for this variant, which is reported at a frequency of 0.00047 in the European American population of the Exome Sequencing Project. PPT1 enzyme activity levels are significantly reduced in NCL patients carrying the p.Arg151Ter variant when compared to controls (Mitchison et al. 1998; van Diggelen et al. 2001; Ramadan et al. 2007; Miller et al. 2013; Khan et al. 2013). Miller et al. (2013) suggests that the degradation of mRNAs is a result of nonsense-mediated decay. Transgenic knock-in mouse models homozygous for the p.Arg151Ter variant recapitulate the NCL phenotype (Bouchelion et al. 2014; Miller et al. 2015). Due to the potential impact of stop-gained variants and the evidence in the literature, the p.Arg151Ter variant is classified as pathogenic for autosomal recessive neuronal ceroid-lipofuscinosis.

Athena Diagnostics
Classification: Pathogenic. Last evaluated: 2016-04-04. Review status: criteria provided, single submitter. Criteria: Athena Diagnostics Criteria. Collection method: clinical testing. Allele origin: germline.

Genetic Services Laboratory, University of Chicago
Classification: Pathogenic for Ceroid lipofuscinosis, neuronal, 1. Last evaluated: 2016-02-24. Review status: criteria provided, single submitter. Criteria: ACMG Guidelines, 2015. Collection method: clinical testing. Allele origin: germline. Affected: yes.

Courtagen Diagnostics Laboratory, Courtagen Life Sciences
Classification: Pathogenic for Ceroid lipofuscinosis, neuronal, 1. Last evaluated: 2014-08-27. Review status: criteria provided, single submitter. Criteria: Courtagen Life Sciences Classifications. Collection method: clinical testing. Allele origin: germline.

3billion
Classification: Pathogenic for Neuronal ceroid lipofuscinosis 1. Review status: criteria provided, single submitter. Criteria: ACMG Guidelines, 2015. Collection method: clinical testing. Allele origin: unknown. Affected: yes. Observed: 1 heterozygote.
Comment: The variant is observed at an extremely low frequency in the gnomAD v2.1.1 dataset (total allele frequency: 0.024%). The variant is predicted to result in a loss or disruption of normal protein function through nonsense-mediated decay (NMD) or protein truncation. Multiple pathogenic variants are reported downstream of the variant. The variant has been reported at least twice as pathogenic with clinical assertions and evidence for the classification (ClinVar ID: VCV000008904 / PMID: 9425237). Therefore, this variant is classified as Pathogenic according to the recommendation of ACMG/AMP guideline.

Diagnostics Division, CENTRE FOR DNA FINGERPRINTING AND DIAGNOSTICS
Classification: Likely pathogenic for Neuronal ceroid lipofuscinosis 1. Review status: criteria provided, single submitter. Criteria: ACMG Guidelines, 2015. Collection method: research. Allele origin: germline. Inheritance: Autosomal recessive inheritance. Affected: yes. Observed: 1 homozygote.
Comment: Nonsense variant

OMIM
Classification: Pathogenic for CEROID LIPOFUSCINOSIS, NEURONAL, 1. Last evaluated: 2015-01-01. Review status: no assertion criteria provided. Collection method: literature only. Allele origin: germline. Not counted in ClinVar's aggregate classification.

Clinical Molecular Genetics Laboratory, Johns Hopkins All Children's Hospital
Classification: Pathogenic for Neuronal ceroid lipofuscinosis. Last evaluated: 2011-07-06. Review status: no assertion criteria provided. Collection method: clinical testing. Allele origin: germline. Affected: yes. Not counted in ClinVar's aggregate classification.

Clinical Genetics DNA and cytogenetics Diagnostics Lab, Erasmus MC, Erasmus Medical Center
Classification: Pathogenic. Review status: no assertion criteria provided. Collection method: clinical testing. Allele origin: germline. Affected: yes. Study: VKGL Data-share Consensus. Not counted in ClinVar's aggregate classification.

Diagnostic Laboratory, Department of Genetics, University Medical Center Groningen
Classification: Pathogenic for Neuronal ceroid lipofuscinosis 1. Review status: no assertion criteria provided. Collection method: clinical testing. Allele origin: germline. Affected: yes. Study: VKGL Data-share Consensus. Not counted in ClinVar's aggregate classification.

GeneReviews
No classification provided. Condition: Neuronal ceroid lipofuscinosis 1. Review status: no classification provided. Collection method: literature only. Allele origin: unknown. Not counted in ClinVar's aggregate classification.

Joint Genome Diagnostic Labs from Nijmegen and Maastricht, Radboudumc and MUMC+
Classification: Pathogenic. Review status: no assertion criteria provided. Collection method: clinical testing. Allele origin: germline. Affected: yes. Study: VKGL Data-share Consensus. Not counted in ClinVar's aggregate classification.

Laboratory of Diagnostic Genome Analysis, Leiden University Medical Center (LUMC)
Classification: Pathogenic. Review status: no assertion criteria provided. Collection method: clinical testing. Allele origin: germline. Affected: yes. Study: VKGL Data-share Consensus. Not counted in ClinVar's aggregate classification.

Literature cited by the submitters: PubMed 23772246 (cited by 3 submitters); PubMed 34469436 (cited by Ambry Genetics); PubMed 38536866 (cited by Ambry Genetics); PubMed 10679943 (cited by 3 submitters); PubMed 21990111 (cited by Labcorp Genetics (formerly Invitae), Labcorp); PubMed 9425237 (cited by 9 submitters); PubMed 9664077 (cited by 9 submitters); PubMed 11440996 (cited by Mayo Clinic Laboratories, Mayo Clinic); PubMed 25205113 (cited by 4 submitters); PubMed 25574475 (cited by 4 submitters); PubMed 10191107 (cited by Natera, Inc.); PubMed 23539563 (cited by 3 submitters); PubMed 11506414 (cited by 3 submitters); PubMed 17261688 (cited by 3 submitters); PubMed 10649502 (cited by Athena Diagnostics); PubMed 19793312 (cited by Athena Diagnostics); PubMed 24082928 (cited by Athena Diagnostics); PubMed 9733046 (cited by Athena Diagnostics); PubMed 21228398 (cited by Athena Diagnostics); PubMed 25525159 (cited by Athena Diagnostics); PubMed 20301601 (cited by GeneReviews); NCBI Bookshelf NBK1428 (cited by GeneReviews).